The following is an entry in ClinVar:

NM_001283009.2(RTEL1):c.2461G>T (p.Glu821Ter)

Genes: RTEL1 (regulator of telomere elongation helicase 1; plus strand), RTEL1-TNFRSF6B (RTEL1-TNFRSF6B readthrough (NMD candidate); plus strand). Cytogenetic location: 20q13.33.
Variant type: single nucleotide variant.
Coding change: c.2461G>T on transcript NM_001283009.2 (MANE Select); coding-DNA position 2461, G replaced by T.
Protein change: p.Glu821Ter; replaces glutamic acid 821 with a stop codon.
Molecular consequence: nonsense. On other transcripts: non-coding transcript variant (1).
Genome position (GRCh38, 1-based): chr20:63,690,852, G>T. VCF-style: chr20-63690852-G-T. GRCh37 (hg19) VCF-style: chr20-62322205-G-T.
Other names: c.1792G>T, p.Glu598Ter (NM_001283010.1); c.2461G>T, p.Glu821Ter (NM_016434.4); c.2533G>T, p.Glu845Ter (NM_032957.5); short protein forms E598*, E821*, E845*.
Identifiers: ClinVar variation 937819 (VCV000937819.8), dbSNP rs2090722556, ClinGen allele CA409681528.

ClinVar aggregate classification (germline): Pathogenic (1 of 4 stars; one submission).

Conditions:
Dyskeratosis congenita, autosomal recessive 5 (DKCB5). Identifiers: MedGen C3554656, MONDO:0014076, OMIM 615190.
Pulmonary fibrosis and/or bone marrow failure, Telomere-related, 3. Also called: PULMONARY FIBROSIS AND/OR BONE MARROW FAILURE SYNDROME, TELOMERE-RELATED, 3. Identifiers: Orphanet 2032, MedGen C4225346, MONDO:0014613, OMIM 616373.

Submission:

Labcorp Genetics (formerly Invitae), Labcorp
Classification: Pathogenic for Dyskeratosis congenita, autosomal recessive 5; Pulmonary fibrosis and/or bone marrow failure, Telomere-related, 3. Last evaluated: 2019-07-01. Review status: criteria provided, single submitter. Criteria: Invitae Variant Classification Sherloc (09022015). Collection method: clinical testing. Allele origin: germline.
Comment: This sequence change creates a premature translational stop signal (p.Glu821*) in the RTEL1 gene. It is expected to result in an absent or disrupted protein product. This variant is not present in population databases (ExAC no frequency). This variant has not been reported in the literature in individuals with RTEL1-related conditions. Loss-of-function variants in RTEL1 are known to be pathogenic (PMID: 23453664, 23959892, 25607374). For these reasons, this variant has been classified as Pathogenic.

Literature cited by the submitters: PubMed 23453664; PubMed 23959892; PubMed 25607374.